The following is an entry in ClinVar:

ClinVar aggregate classification (germline): Uncertain significance (1 of 4 stars; one submission).

Submission:

GeneDx
Classification: Uncertain significance. Last evaluated: 2026-08-15. Review status: criteria provided, single submitter. Criteria: GeneDx Variant Classification Process June 2021. Collection method: clinical testing. Allele origin: germline.
Comment: Not observed at significant frequency in large population cohorts (gnomAD); In silico analysis suggests that this missense variant does not alter protein structure/function; Has not been previously published as pathogenic or benign to our knowledge; This variant is associated with the following publications: (PMID: 18034775, 20619386)

NM_005188.4(CBL):c.500G>A (p.Gly167Glu)

Gene: CBL (Cbl proto-oncogene; plus strand). Cytogenetic location: 11q23.3.
Variant type: single nucleotide variant.
Coding change: c.500G>A on transcript NM_005188.4 (MANE Select); coding-DNA position 500, G replaced by A.
Protein change: p.Gly167Glu; replaces glycine 167 with glutamic acid.
Molecular consequence: missense variant.
Genome position (GRCh38, 1-based): chr11:119,271,791, G>A. VCF-style: chr11-119271791-G-A. GRCh37 (hg19) VCF-style: chr11-119142501-G-A.
Other names: short protein forms G167E.
Identifiers: ClinVar variation 2497794 (VCV002497794.2), dbSNP rs2496927405, ClinGen allele CA382907320.